The following is an entry in ClinVar:

ClinVar aggregate classification (germline): Uncertain significance. Review status: criteria provided, multiple submitters, no conflicts (2 of 4 stars). 2 submissions from 2 submitters: Uncertain significance (2). Last evaluated 2023-10-31.

Conditions:
Primary ciliary dyskinesia. Also called: Ciliary dyskinesia. Identifiers: Orphanet 244, MedGen C0008780, MONDO:0016575, HP:0012265.

Allele frequency attached by ClinVar (database versions not stated): gnomAD exomes 0.00001; gnomAD 0.00002; TOPMed 0.00002.

Submissions (2):

Blueprint Genetics
Classification: Uncertain significance. Last evaluated: 2023-10-31. Review status: criteria provided, single submitter. Criteria: ACMG Guidelines, 2015. Collection method: clinical testing. Allele origin: germline.

Labcorp Genetics (formerly Invitae), Labcorp
Classification: Uncertain significance for Primary ciliary dyskinesia. Last evaluated: 2022-08-30. Review status: criteria provided, single submitter. Criteria: Invitae Variant Classification Sherloc (09022015). Collection method: clinical testing. Allele origin: germline.
Comment: This sequence change replaces asparagine, which is neutral and polar, with serine, which is neutral and polar, at codon 297 of the CCDC114 protein (p.Asn297Ser). This variant is present in population databases (no rsID available, gnomAD 0.0009%). This variant has not been reported in the literature in individuals affected with CCDC114-related conditions. Algorithms developed to predict the effect of missense changes on protein structure and function are either unavailable or do not agree on the potential impact of this missense change (SIFT: "Tolerated"; PolyPhen-2: "Probably Damaging"; Align-GVGD: "Class C0"). In summary, the available evidence is currently insufficient to determine the role of this variant in disease. Therefore, it has been classified as a Variant of Uncertain Significance.

NM_001364171.2(ODAD1):c.1001A>G (p.Asn334Ser)

Gene: ODAD1 (outer dynein arm docking complex subunit 1; minus strand). Cytogenetic location: 19q13.33.
Variant type: single nucleotide variant.
Coding change: c.1001A>G on transcript NM_001364171.2 (MANE Select); coding-DNA position 1001, A replaced by G.
Protein change: p.Asn334Ser; replaces asparagine 334 with serine.
Molecular consequence: missense variant.
Genome position (GRCh38, 1-based): chr19:48,303,083, T>C on the plus strand (A>G on the coding strand, the complement: ODAD1 is on the minus strand). VCF-style: chr19-48303083-T-C. GRCh37 (hg19) VCF-style: chr19-48806340-T-C.
Other names: c.890A>G, p.Asn297Ser (NM_144577.4); short protein forms N297S, N334S.
Identifiers: ClinVar variation 2037953 (VCV002037953.2), dbSNP rs963974142, ClinGen allele CA309300065.